The following is an entry in ClinVar:

NM_000136.3(FANCC):c.*1968G>A

Genes: FANCC (FA complementation group C; minus strand), AOPEP (aminopeptidase O (putative); plus strand). Cytogenetic location: 9q22.32.
Variant type: single nucleotide variant.
Coding change: c.*1968G>A on transcript NM_000136.3 (MANE Select); 1968 bases downstream of the stop codon, G replaced by A.
Molecular consequence: 3 prime UTR variant.
Genome position (GRCh38, 1-based): chr9:95,099,739, C>T on the plus strand (G>A on the coding strand, the complement: FANCC is on the minus strand). VCF-style: chr9-95099739-C-T. GRCh37 (hg19) VCF-style: chr9-97862021-C-T.
Other names: c.*1968G>A (NM_001243743.2).
Identifiers: ClinVar variation 367577 (VCV000367577.5), dbSNP rs114827984, ClinGen allele CA10634152.
Genomic context (GRCh38, chr9:95,099,739, plus strand): 5'-AGAGGGACAGTCCTCCCACCCAGGAACCCCTGGCTGCCCAGAAAGCACCACCGGCAAGGC[C>T]GCCTCCACCGCACCCGTGAGAGGACTCGGCAGCTGTGAAGGAACTGGGAGATTCTGCAGA-3'

ClinVar aggregate classification (germline): Benign (1 of 4 stars; one submission).

Conditions:
Fanconi anemia complementation group C (FANCC). Also called: FANCONI PANCYTOPENIA, TYPE 3; FACC; Fanconi anemia, group C; FANCC-Related Fanconi Anemia. Identifiers: Orphanet 84, MedGen C3468041, MONDO:0009213, OMIM 227645.

Allele frequency attached by ClinVar (database versions not stated): gnomAD exomes 0.00064; gnomAD 0.00380 and 0.00409; TOPMed 0.00401; 1000 Genomes Project 30x 0.00547; 1000 Genomes Project 0.00559.
gnomAD v4.1: 633 of 232,532 alleles (0.27%); highest among the groups gnomAD compares: African/African-American, 1.2%; 5 homozygotes.

Submission:

Illumina Laboratory Services, Illumina
Classification: Benign for Fanconi anemia complementation group C. Last evaluated: 2018-01-13. Review status: criteria provided, single submitter. Criteria: ICSL Variant Classification Criteria 13 December 2019. Collection method: clinical testing. Allele origin: germline.
Comment: This variant was observed in the ICSL laboratory as part of a predisposition screen in an ostensibly healthy population. It had not been previously curated by ICSL or reported in the Human Gene Mutation Database (HGMD: prior to June 1st, 2018), and was therefore a candidate for classification through an automated scoring system. Utilizing variant allele frequency, disease prevalence and penetrance estimates, and inheritance mode, an automated score was calculated to assess if this variant is too frequent to cause the disease. Based on the score and internal cut-off values, a variant classified as benign is not then subjected to further curation. The score for this variant resulted in a classification of benign for this disease.